The following is an entry in ClinVar:

NM_001939.3(DRP2):c.2195A>G (p.Glu732Gly)

Gene: DRP2 (dystrophin related protein 2; plus strand). Cytogenetic location: Xq22.1.
Variant type: single nucleotide variant.
Coding change: c.2195A>G on transcript NM_001939.3 (MANE Select); coding-DNA position 2195, A replaced by G.
Protein change: p.Glu732Gly; replaces glutamic acid 732 with glycine.
Molecular consequence: missense variant.
Genome position (GRCh38, 1-based): chrX:101,255,198, A>G. VCF-style: chrX-101255198-A-G. GRCh37 (hg19) VCF-style: chrX-100510187-A-G.
Other names: c.1961A>G, p.Glu654Gly (NM_001171184.2); short protein forms E732G, E654G.
Identifiers: ClinVar variation 4986191 (VCV004986191.1).
Genomic context (GRCh38, chrX:101,255,198, plus strand): 5'-GGCCCCACATCCTGTTTTCTCTCCTGCCTCTGCTCTTTATTCCTAGGCTTGCTGAGATGG[A>G]AAGTCAAAATTGCTCCTTCTTTAATGACAGCTTGTCCCCAGATGACAGCATGTGAGTTTC-3'
Protein context (NP_001930.2, residues 722-742): EHFASRLAEM[Glu732Gly]SQNCSFFNDS

ClinVar aggregate classification (germline): Uncertain significance (1 of 4 stars; one submission).

Conditions:
DRP2-related disorder. Also called: DRP2-related condition.

Submission:

PreventionGenetics, part of Exact Sciences
Classification: Uncertain significance for DRP2-related condition. Last evaluated: 2026-08-20. Review status: criteria provided, single submitter. Criteria: ACMG Guidelines, 2015. Collection method: clinical testing. Allele origin: germline.
Comment: The DRP2 c.2195A>G variant is predicted to result in the amino acid substitution p.Glu732Gly. To our knowledge, this variant has not been reported in the literature or in a large population database (gnomAD), indicating this variant is rare. At this time, the clinical significance of this variant is uncertain due to the absence of conclusive functional and genetic evidence.